The following is an entry in ClinVar:

NM_000307.5(POU3F4):c.686A>G (p.Gln229Arg)

Gene: POU3F4 (POU class 3 homeobox 4; plus strand). Cytogenetic location: Xq21.1.
Variant type: single nucleotide variant.
Coding change: c.686A>G on transcript NM_000307.5 (MANE Select); coding-DNA position 686, A replaced by G.
Protein change: p.Gln229Arg; replaces glutamine 229 with arginine.
Molecular consequence: missense variant.
Genome position (GRCh38, 1-based): chrX:83,509,010, A>G. VCF-style: chrX-83509010-A-G. GRCh37 (hg19) VCF-style: chrX-82764018-A-G.
Other names: short protein forms Q229R.
Identifiers: ClinVar variation 1879006 (VCV001879006.1), dbSNP rs2520216475, ClinGen allele CA413752081.

ClinVar aggregate classification (germline): Likely pathogenic (1 of 4 stars; one submission).

Submission:

GeneDx
Classification: Likely pathogenic. Last evaluated: 2023-01-09. Review status: criteria provided, single submitter. Criteria: GeneDx Variant Classification Process June 2021. Collection method: clinical testing. Allele origin: germline. Affected: yes.
Comment: Published functional studies demonstrate that variant abolishes DNA binding ability (Choi et al., 2013); Not observed in large population cohorts (gnomAD); In silico analysis supports that this missense variant has a deleterious effect on protein structure/function; This variant is associated with the following publications: (PMID: 23076972, 26600195)